The following is an entry in ClinVar:

ClinVar aggregate classification (germline): Uncertain significance. Review status: criteria provided, multiple submitters, no conflicts (2 of 4 stars). 2 submissions from 2 submitters: Uncertain significance (2). Last evaluated 2025-05-28.

Conditions:
MHC class II deficiency. Also called: BLS, TYPE II; Bare lymphocyte syndrome 2. Identifiers: Orphanet 572, MedGen C5447452, MONDO:0008855.

Allele frequency attached by ClinVar (database versions not stated): gnomAD exomes below 0.00001; gnomAD 0.00001; TOPMed 0.00001.

Submissions (2):

Ambry Genetics
Classification: Uncertain significance. Last evaluated: 2025-05-28. Review status: criteria provided, single submitter. Criteria: Ambry Variant Classification Scheme 2023. Collection method: clinical testing. Allele origin: germline.

Labcorp Genetics (formerly Invitae), Labcorp
Classification: Uncertain significance for MHC class II deficiency. Last evaluated: 2020-02-04. Review status: criteria provided, single submitter. Criteria: Invitae Variant Classification Sherloc (09022015). Collection method: clinical testing. Allele origin: germline.
Comment: In summary, the available evidence is currently insufficient to determine the role of this variant in disease. Therefore, it has been classified as a Variant of Uncertain Significance. Algorithms developed to predict the effect of missense changes on protein structure and function output the following: SIFT: "Tolerated"; PolyPhen-2: "Benign"; Align-GVGD: "Class C0". The asparagine amino acid residue is found in multiple mammalian species, suggesting that this missense change does not adversely affect protein function. These predictions have not been confirmed by published functional studies and their clinical significance is uncertain. This variant has not been reported in the literature in individuals with RFX5-related conditions. This variant is not present in population databases (ExAC no frequency). This sequence change replaces serine with asparagine at codon 85 of the RFX5 protein (p.Ser85Asn). The serine residue is moderately conserved and there is a small physicochemical difference between serine and asparagine.

NM_001025603.2(RFX5):c.254G>A (p.Ser85Asn)

Gene: RFX5 (regulatory factor X5; minus strand). Cytogenetic location: 1q21.3.
Variant type: single nucleotide variant.
Coding change: c.254G>A on transcript NM_001025603.2 (MANE Select); coding-DNA position 254, G replaced by A.
Protein change: p.Ser85Asn; replaces serine 85 with asparagine.
Molecular consequence: missense variant. On other transcripts: intron variant (2).
Genome position (GRCh38, 1-based): chr1:151,344,827, C>T on the plus strand (G>A on the coding strand, the complement: RFX5 is on the minus strand). VCF-style: chr1-151344827-C-T. GRCh37 (hg19) VCF-style: chr1-151317303-C-T.
Other names: c.254G>A (NM_000449.3); c.254G>A, p.Ser85Asn (NM_001379412.1, NM_001379413.1, NM_001379414.1 and 5 more transcripts); c.233+279G>A (NM_001379419.1, NM_001379420.1); short protein forms S85N.
Identifiers: ClinVar variation 1026771 (VCV001026771.7), dbSNP rs1650861450, ClinGen allele CA341943154.